The following is an entry in ClinVar:

ClinVar aggregate classification (germline): Conflicting classifications of pathogenicity. Review status: criteria provided, conflicting classifications (1 of 4 stars). 2 submissions from 2 submitters: Uncertain significance (1); Likely benign (1). Last evaluated 2023-08-07.

Conditions:
Cardiovascular phenotype. Identifiers: MedGen CN230736.
Long QT syndrome (LQTS). Identifiers: MedGen C0023976, MeSH D008133, MONDO:0002442. Disease mechanism: loss of function. Inheritance: Various modes of inheritance.

Allele frequency attached by ClinVar (database versions not stated): gnomAD 0.00001.
gnomAD v4.1: 1 of 1,614,044 alleles (0.000062%); highest among the groups gnomAD compares: African/African-American, 0.0013%; no homozygotes.

Submissions (2):

Labcorp Genetics (formerly Invitae), Labcorp
Classification: Uncertain significance for Long QT syndrome. Last evaluated: 2023-08-07. Review status: criteria provided, single submitter. Criteria: Invitae Variant Classification Sherloc (09022015). Collection method: clinical testing. Allele origin: germline.
Comment: This sequence change replaces lysine, which is basic and polar, with arginine, which is basic and polar, at codon 1909 of the ANK2 protein (p.Lys1909Arg). This variant is not present in population databases (gnomAD no frequency). This variant has not been reported in the literature in individuals affected with ANK2-related conditions. ClinVar contains an entry for this variant (Variation ID: 1749300). Algorithms developed to predict the effect of missense changes on protein structure and function output the following: SIFT: "Not Available"; PolyPhen-2: "Benign"; Align-GVGD: "Not Available". The arginine amino acid residue is found in multiple mammalian species, which suggests that this missense change does not adversely affect protein function. In summary, the available evidence is currently insufficient to determine the role of this variant in disease. Therefore, it has been classified as a Variant of Uncertain Significance.

Ambry Genetics
Classification: Likely benign for Cardiovascular phenotype. Last evaluated: 2020-05-27. Review status: criteria provided, single submitter. Criteria: Ambry Variant Classification Scheme 2023. Collection method: clinical testing. Allele origin: germline.

NM_001148.6(ANK2):c.5726A>G (p.Lys1909Arg)

Genes: ANK2 (ankyrin 2; plus strand), LOC126807136 (MED14-independent group 3 enhancer GRCh37_chr4:114274931-114276130; plus strand). Cytogenetic location: 4q26.
Variant type: single nucleotide variant.
Coding change: c.5726A>G on transcript NM_001148.6 (MANE Select); coding-DNA position 5726, A replaced by G.
Protein change: p.Lys1909Arg; replaces lysine 1909 with arginine.
Molecular consequence: missense variant. On other transcripts: intron variant (68).
Genome position (GRCh38, 1-based): chr4:113,354,344, A>G. VCF-style: chr4-113354344-A-G. GRCh37 (hg19) VCF-style: chr4-114275500-A-G.
Other names: c.5492A>G, p.Lys1831Arg (NM_001386142.1); c.2126A>G, p.Lys709Arg (NM_001386166.1); c.5867A>G, p.Lys1956Arg (NM_001386174.1); c.5843A>G, p.Lys1948Arg (NM_001386175.1); c.4411+4095A>G (NM_001386186.2, NM_001386148.2); c.4213+4095A>G (NM_001354269.3); c.4291+4095A>G (NM_001386187.2); c.4252+4095A>G (NM_001386147.1); and 35 more; short protein forms K1831R, K1909R, K709R, K1948R, K1956R.
Identifiers: ClinVar variation 1749300 (VCV001749300.5), dbSNP rs868828587, ClinGen allele CA103812619.